The following is an entry in ClinVar:

ClinVar aggregate classification (germline): Likely benign (1 of 4 stars; one submission).

gnomAD v4.1: 6 of 1,238,480 alleles (0.00048%); highest among the groups gnomAD compares: South Asian, 0.0032%; no homozygotes.

Submission:

CeGaT Center for Human Genetics Tuebingen
Classification: Likely benign. Last evaluated: 2025-03-01. Review status: criteria provided, single submitter. Criteria: CeGaT Center For Human Genetics Tuebingen Variant Classification Criteria Version 2. Collection method: clinical testing. Allele origin: germline. Affected: yes. Observed: 1 variant allele.
Comment: SLC12A2: BP4, BP7

NM_001046.3(SLC12A2):c.306G>A (p.Ala102=)

Gene: SLC12A2 (solute carrier family 12 member 2; plus strand). Cytogenetic location: 5q23.3.
Variant type: single nucleotide variant.
Coding change: c.306G>A on transcript NM_001046.3 (MANE Select); coding-DNA position 306, G replaced by A.
Protein change: p.Ala102=; no amino-acid change (alanine 102 retained).
Molecular consequence: synonymous variant. On other transcripts: non-coding transcript variant (1).
Genome position (GRCh38, 1-based): chr5:128,084,260, G>A. VCF-style: chr5-128084260-G-A. GRCh37 (hg19) VCF-style: chr5-127419952-G-A.
Other names: c.306G>A, p.Ala102= (NM_001256461.2).
Identifiers: ClinVar variation 3778163 (VCV003778163.7).